The following is an entry in ClinVar:

ClinVar aggregate classification (germline): Uncertain significance (1 of 4 stars; one submission).

Submission:

GeneDx
Classification: Uncertain significance. Last evaluated: 2023-05-22. Review status: criteria provided, single submitter. Criteria: GeneDx Variant Classification Process June 2021. Collection method: clinical testing. Allele origin: germline. Affected: yes.
Comment: Not observed at significant frequency in large population cohorts (gnomAD); In silico analysis supports that this missense variant does not alter protein structure/function; Has not been previously published as pathogenic or benign to our knowledge

NM_001379451.1(BCORL1):c.1762G>C (p.Glu588Gln)

Gene: BCORL1 (BCL6 corepressor like 1; plus strand). Cytogenetic location: Xq26.1.
Variant type: single nucleotide variant.
Coding change: c.1762G>C on transcript NM_001379451.1 (MANE Select); coding-DNA position 1762, G replaced by C.
Protein change: p.Glu588Gln; replaces glutamic acid 588 with glutamine.
Molecular consequence: missense variant.
Genome position (GRCh38, 1-based): chrX:130,014,534, G>C. VCF-style: chrX-130014534-G-C. GRCh37 (hg19) VCF-style: chrX-129148510-G-C.
Other names: c.1762G>C, p.Glu588Gln (NM_001184772.3, NM_001379450.1, NM_021946.5); short protein forms E588Q.
Identifiers: ClinVar variation 1696979 (VCV001696979.3), dbSNP rs749559990, ClinGen allele CA414585717.
Genomic context (GRCh38, chrX:130,014,534, plus strand): 5'-CTGCCAGCCCCCAGTGGGAGCTCAGCCCCACCGCACCCCGCCAAGATGCCCAGTGGCACC[G>C]AGCAGCAAACAGAAGGGACTTCCGTTACCTTCTCTCCTCTTAAGTCACCGCCACAGCTGG-3'
Protein context (NP_001366380.1, residues 578-598): PHPAKMPSGT[Glu588Gln]QQTEGTSVTF